The following is an entry in ClinVar:

NM_000520.6(HEXA):c.1088dup (p.Ser364fs)

Gene: HEXA (hexosaminidase subunit alpha; minus strand). Cytogenetic location: 15q23.
Variant type: Duplication.
Coding change: c.1088dup on transcript NM_000520.6 (MANE Select); coding-DNA position 1088, one base duplicated (T; older notation c.1088dupT).
Protein change: p.Ser364fs; shifts the reading frame from serine 364.
Molecular consequence: frameshift variant.
Genome position (GRCh38, 1-based): chr15:72,347,744, A duplicated on the plus strand (T on the coding strand, the reverse complement: HEXA is on the minus strand). VCF-style (leftmost placement, unchanged base first): chr15-72347743-G-GA. GRCh37 (hg19) VCF-style: chr15-72640084-G-GA.
Other names: c.1121dup, p.Ser375fs (NM_001318825.2); c.1088dupT (NM_000520.5); short protein forms S364fs, S375fs.
Identifiers: ClinVar variation 1934149 (VCV001934149.6), dbSNP rs1734738637, ClinGen allele CA971330902.
Genomic context (GRCh38, chr15:72,347,743, plus strand): 5'-CACCTTTACTTTATTATCAAACACCTCCTGCCACACCACATAGCCCTTGCCATAAGAAGA[G>GA]ACGATGTCCAGCAGCCTGGAGAGGAGAGGAGTGTCTAGTAAGTGTCTGCTTAGCTCAGAT-3'

ClinVar aggregate classification (germline): Pathogenic/Likely pathogenic. Review status: criteria provided, multiple submitters, no conflicts (2 of 4 stars). 2 submissions from 2 submitters: Pathogenic (1); Likely pathogenic (1). Last evaluated 2025-10-24.

Conditions:
Tay-Sachs disease (TSD). Also called: HEXA Disorders; HEXA DEFICIENCY; GM2 gangliosidosis, type 1; Hexosaminidase alpha-subunit deficiency (variant B); Sphingolipidosis, Tay-Sachs; Hexosaminidase A Deficiency. Identifiers: Orphanet 845, MedGen C0039373, MONDO:0010100, OMIM 272800.

Allele frequency attached by ClinVar (database versions not stated): gnomAD exomes below 0.00001; TOPMed below 0.00001; gnomAD 0.00001.

Submissions (2):

Labcorp Genetics (formerly Invitae), Labcorp
Classification: Pathogenic for Tay-Sachs disease. Last evaluated: 2025-10-24. Review status: criteria provided, single submitter. Criteria: Invitae Variant Classification Sherloc (09022015). Collection method: clinical testing. Allele origin: germline.
Comment: This sequence change creates a premature translational stop signal (p.Ser364Leufs*15) in the HEXA gene. It is expected to result in an absent or disrupted protein product. Loss-of-function variants in HEXA are known to be pathogenic (PMID: 1833974, 8490625). This variant is not present in population databases (gnomAD no frequency). This variant has not been reported in the literature in individuals affected with HEXA-related conditions. ClinVar contains an entry for this variant (Variation ID: 1934149). Algorithms developed to predict the effect of sequence changes on RNA splicing suggest that this variant may disrupt the consensus splice site. For these reasons, this variant has been classified as Pathogenic.

Natera, Inc.
Classification: Likely pathogenic for Tay-Sachs disease. Last evaluated: 2025-10-07. Review status: criteria provided, single submitter. Criteria: Natera Variant Classification Schema (03/2026). Collection method: clinical testing. Allele origin: germline.
Comment: The c.1088dupT variant in HEXA is a frameshift variant predicted to shift the reading frame beginning at codon 364 and leads to a stop codon 15 codons downstream. This variant is expected to result in nonsense mediated decay, truncation, or a dysfunctional protein product. This variant is rare in the general population with a frequency below the threshold expected for the associated phenotype(s). Given the available evidence, this variant is classified as Likely Pathogenic.

Literature cited by the submitters: PubMed 1833974 (cited by Labcorp Genetics (formerly Invitae), Labcorp); PubMed 8490625 (cited by Labcorp Genetics (formerly Invitae), Labcorp).